The following is an entry in ClinVar:

NM_000321.3(RB1):c.1814T>C (p.Met605Thr)

Gene: RB1 (RB transcriptional corepressor 1; plus strand). Cytogenetic location: 13q14.2.
Variant type: single nucleotide variant.
Coding change: c.1814T>C on transcript NM_000321.3 (MANE Select); coding-DNA position 1814, T replaced by C.
Protein change: p.Met605Thr; replaces methionine 605 with threonine.
Molecular consequence: missense variant.
Genome position (GRCh38, 1-based): chr13:48,453,111, T>C. VCF-style: chr13-48453111-T-C. GRCh37 (hg19) VCF-style: chr13-49027247-T-C.
Other names: short protein forms M605T.
Identifiers: ClinVar variation 458137 (VCV000458137.11), dbSNP rs1555293654, ClinGen allele CA388165673.
Genomic context (GRCh38, chr13:48,453,111, plus strand): 5'-ACCTTGAATCTGCTTGTCCTCTTAATCTTCCTCTCCAGAATAATCACACTGCAGCAGATA[T>C]GTAAGCAAAATATATGTTATGTTGACCATTCAAACTGCAAATAGATTTTAAGCATAAGTG-3'
Protein context (NP_000312.2, residues 595-615): PLQNNHTAAD[Met605Thr]YLSPVRSPKK

ClinVar aggregate classification (germline): Uncertain significance. Review status: criteria provided, multiple submitters, no conflicts (2 of 4 stars). 3 submissions from 3 submitters: Uncertain significance (3). Last evaluated 2024-12-30.

Conditions:
Hereditary cancer-predisposing syndrome. Also called: Neoplastic Syndromes, Hereditary; Tumor predisposition; Hereditary Cancer Syndrome; Hereditary neoplastic syndrome. Identifiers: Orphanet 140162, MedGen C0027672, MeSH D009386, MONDO:0015356.
Retinoblastoma (RB1). Also called: RETINOBLASTOMA, SOMATIC. Identifiers: Orphanet 790, MedGen C0035335, MeSH D012175, MONDO:0008380, OMIM 180200, HP:0009919. Disease mechanism: loss of function. Inheritance: Both sporadic and heritable forms are tested..

Allele frequency attached by ClinVar (database versions not stated): gnomAD exomes below 0.00001.
gnomAD v4.1: 3 of 1,611,230 alleles (0.00019%); highest among the groups gnomAD compares: Non-Finnish European, 0.00025%; no homozygotes.

Submissions (3):

Labcorp Genetics (formerly Invitae), Labcorp
Classification: Uncertain significance for Retinoblastoma. Last evaluated: 2024-12-30. Review status: criteria provided, single submitter. Criteria: Invitae Variant Classification Sherloc (09022015). Collection method: clinical testing. Allele origin: germline.
Comment: This sequence change replaces methionine, which is neutral and non-polar, with threonine, which is neutral and polar, at codon 605 of the RB1 protein (p.Met605Thr). This variant is not present in population databases (gnomAD no frequency). This variant has not been reported in the literature in individuals affected with RB1-related conditions. ClinVar contains an entry for this variant (Variation ID: 458137). An algorithm developed to predict the effect of missense changes on protein structure and function (PolyPhen-2) suggests that this variant¬†is likely to be tolerated. In summary, the available evidence is currently insufficient to determine the role of this variant in disease. Therefore, it has been classified as a Variant of Uncertain Significance.

Ambry Genetics
Classification: Uncertain significance for Hereditary cancer-predisposing syndrome. Last evaluated: 2024-05-27. Review status: criteria provided, single submitter. Criteria: Ambry Variant Classification Scheme 2023. Collection method: clinical testing. Allele origin: germline.
Comment: The c.1814T>C variant (also known as p.M605T), located in coding exon 18 of the RB1 gene, results from a T to C substitution at nucleotide position 1814. The amino acid change results in methionine to threonine at codon 605, an amino acid with similar properties. This change occurs in the last base pair of coding exon 18. This amino acid position is not well conserved in available vertebrate species. In addition, the in silico prediction for this alteration is inconclusive. Based on the available evidence, the clinical significance of this variant remains unclear.

All of Us Research Program, National Institutes of Health
Classification: Uncertain significance for Retinoblastoma. Last evaluated: 2023-10-23. Review status: criteria provided, single submitter. Criteria: ACMG Guidelines, 2015. Collection method: clinical testing. Allele origin: germline. Inheritance: Autosomal dominant inheritance. Observed: 1 variant allele, 1 heterozygote.
Comment: This missense variant replaces methionine with threonine at codon 605 of the RB1 protein. Computational prediction suggests that this variant may not impact protein structure and function (internally defined REVEL score threshold <= 0.5, PMID: 27666373). To our knowledge, functional studies have not been reported for this variant. This variant has not been reported in individuals affected with RB1-related disorders in the literature. This variant has not been identified in the general population by the Genome Aggregation Database (gnomAD). The available evidence is insufficient to determine the role of this variant in disease conclusively. Therefore, this variant is classified as a Variant of Uncertain Significance.

This study involves interpretation of variants in research participants for the purpose of population health screening. Participant phenotype was not available at the time of variant classification. Additional details can be found in publication PMID: 35346344, PMCID: PMC8962531